The following is an entry in ClinVar:

ClinVar aggregate classification (germline): Pathogenic/Likely pathogenic. Review status: criteria provided, multiple submitters, no conflicts (2 of 4 stars). 3 submissions from 3 submitters: Pathogenic (2); Likely pathogenic (1). Last evaluated 2026-05-30.

Conditions:
ERCC2-related disorder. Also called: ERCC2-related conditions; ERCC2-related condition; ERCC2-related disorders. Identifiers: MedGen CN239291.
Cerebrooculofacioskeletal syndrome 2 (COFS2). Identifiers: MedGen C1853102, MONDO:0012553, OMIM 610756.

Submissions (3):

Myriad Genetics, Inc.
Classification: Pathogenic for ERCC2-related disorder. Last evaluated: 2026-05-30. Review status: criteria provided, single submitter. Criteria: Myriad Autosomal Dominant, Autosomal Recessive and X-Linked Classification Criteria (2023). Collection method: clinical testing. Allele origin: unknown.
Comment: NM_000400.3(ERCC2):c.1187dupC(L397Afs*6) is expected to be pathogenic in the context of ERCC2-related disorders. This variant is predicted to lead to an abnormal or absent protein product due to the creation of a premature termination codon in ERCC2, a gene where loss-of-function variants are known to be pathogenic. Please note: this variant was assessed in the context of healthy population screening.

Labcorp Genetics (formerly Invitae), Labcorp
Classification: Pathogenic. Last evaluated: 2024-03-13. Review status: criteria provided, single submitter. Criteria: Invitae Variant Classification Sherloc (09022015). Collection method: clinical testing. Allele origin: germline.
Comment: This sequence change creates a premature translational stop signal (p.Leu397Alafs*6) in the ERCC2 gene. It is expected to result in an absent or disrupted protein product. Loss-of-function variants in ERCC2 are known to be pathogenic (PMID: 9238033, 11335038, 19085937, 19934020). This variant is not present in population databases (gnomAD no frequency). This variant has not been reported in the literature in individuals affected with ERCC2-related conditions. For these reasons, this variant has been classified as Pathogenic.

Baylor Genetics
Classification: Likely pathogenic for Cerebrooculofacioskeletal syndrome 2. Last evaluated: 2024-01-07. Review status: criteria provided, single submitter. Criteria: ACMG Guidelines, 2015. Collection method: clinical testing. Allele origin: unknown.

Literature cited by the submitters: PubMed 9238033 (cited by Labcorp Genetics (formerly Invitae), Labcorp); PubMed 11335038 (cited by Labcorp Genetics (formerly Invitae), Labcorp); PubMed 19085937 (cited by Labcorp Genetics (formerly Invitae), Labcorp); PubMed 19934020 (cited by Labcorp Genetics (formerly Invitae), Labcorp).

NM_000400.4(ERCC2):c.1187dup (p.Leu397fs)

Gene: ERCC2 (ERCC excision repair 2, TFIIH core complex helicase subunit; minus strand). Cytogenetic location: 19q13.32.
Variant type: Duplication.
Coding change: c.1187dup on transcript NM_000400.4 (MANE Select); coding-DNA position 1187, one base duplicated (C; older notation c.1187dupC).
Protein change: p.Leu397fs; shifts the reading frame from leucine 397.
Molecular consequence: frameshift variant.
Genome position (GRCh38, 1-based): chr19:45,361,574, G duplicated on the plus strand (C on the coding strand, the reverse complement: ERCC2 is on the minus strand); the first of 4 consecutive G bases (chr19:45,361,574-45,361,577); duplicating any one gives the same sequence. VCF-style (leftmost placement, unchanged base first): chr19-45361573-C-CG. GRCh37 (hg19) VCF-style: chr19-45864831-C-CG.
Other names: c.1115dup, p.Leu373fs (NM_001130867.2); short protein forms L373fs, L397fs.
Identifiers: ClinVar variation 3241412 (VCV003241412.4), dbSNP rs2514023319.